The following is an entry in ClinVar:

ClinVar aggregate classification (germline): Uncertain significance (1 of 4 stars; one submission).

Submission:

GeneDx
Classification: Uncertain significance. Last evaluated: 2024-01-30. Review status: criteria provided, single submitter. Criteria: GeneDx Variant Classification Process June 2021. Collection method: clinical testing. Allele origin: germline. Affected: yes.
Comment: Not observed at significant frequency in large population cohorts (gnomAD); In silico analysis supports that this missense variant has a deleterious effect on protein structure/function; Has not been previously published as pathogenic or benign to our knowledge

NM_001357.5(DHX9):c.1902T>G (p.Phe634Leu)

Gene: DHX9 (DExH-box helicase 9; plus strand). Cytogenetic location: 1q25.3.
Variant type: single nucleotide variant.
Coding change: c.1902T>G on transcript NM_001357.5 (MANE Select); coding-DNA position 1902, T replaced by G.
Protein change: p.Phe634Leu; replaces phenylalanine 634 with leucine.
Molecular consequence: missense variant. On other transcripts: non-coding transcript variant (1).
Genome position (GRCh38, 1-based): chr1:182,876,136, T>G. VCF-style: chr1-182876136-T-G. GRCh37 (hg19) VCF-style: chr1-182845271-T-G.
Other names: short protein forms F634L.
Identifiers: ClinVar variation 3368366 (VCV003368366.1).